The following is an entry in ClinVar:

NM_001267550.2(TTN):c.69558G>A (p.Trp23186Ter)

Genes: TTN (titin; minus strand), TTN-AS1 (TTN antisense RNA 1; plus strand). Cytogenetic location: 2q31.2.
Variant type: single nucleotide variant.
Coding change: c.69558G>A on transcript NM_001267550.2 (MANE Select); coding-DNA position 69558, G replaced by A.
Protein change: p.Trp23186Ter; replaces tryptophan 23186 with a stop codon.
Molecular consequence: nonsense.
Genome position (GRCh38, 1-based): chr2:178,576,686, C>T on the plus strand (G>A on the coding strand, the complement: TTN is on the minus strand). VCF-style: chr2-178576686-C-T. GRCh37 (hg19) VCF-style: chr2-179441413-C-T.
Other names: c.64635G>A, p.Trp21545Ter (NM_001256850.1); c.42363G>A, p.Trp14121Ter (NM_003319.4); c.61854G>A, p.Trp20618Ter (NM_133378.4); c.42738G>A, p.Trp14246Ter (NM_133432.3); c.42939G>A, p.Trp14313Ter (NM_133437.4); c.69558G>A (NM_001267550.1); short protein forms W20618*, W14246*, W14121*, W21545*, W23186*, W14313*.
Identifiers: ClinVar variation 644439 (VCV000644439.10), dbSNP rs1575821175, ClinGen allele CA349667569.

ClinVar aggregate classification (germline): Likely pathogenic. Review status: criteria provided, multiple submitters, no conflicts (2 of 4 stars). 2 submissions from 2 submitters: Likely pathogenic (2). Last evaluated 2026-04-17.

Conditions:
Dilated cardiomyopathy 1G (CMD1G). Identifiers: Orphanet 154, MedGen C1858763, MONDO:0011400, OMIM 604145.
Autosomal recessive limb-girdle muscular dystrophy type 2J (LGMDR10). Also called: Limb-girdle muscular dystrophy, type 2J; MUSCULAR DYSTROPHY, LIMB-GIRDLE, AUTOSOMAL RECESSIVE 10. Identifiers: Orphanet 140922, MedGen C1837342, MONDO:0012127, OMIM 608807.

Submissions (2):

GeneDx
Classification: Likely pathogenic. Last evaluated: 2026-04-17. Review status: criteria provided, single submitter. Criteria: GeneDx Variant Classification Process June 2021. Collection method: clinical testing. Allele origin: germline.
Comment: Nonsense variant predicted to result in protein truncation or nonsense mediated decay in a gene for which loss of function is a known mechanism of disease; Not observed at significant frequency in large population cohorts (gnomAD); Has not been previously published as pathogenic or benign to our knowledge; Located in the A-band, a region of TTN for which truncating variants are significantly associated with autosomal dominant cardiomyopathy and also with autosomal recessive skeletal myopathies (PMID: 22335739, 32778822); This variant is associated with the following publications: (PMID: 22335739, 32778822)

Labcorp Genetics (formerly Invitae), Labcorp
Classification: Likely pathogenic for Dilated cardiomyopathy 1G; Autosomal recessive limb-girdle muscular dystrophy type 2J. Last evaluated: 2022-12-08. Review status: criteria provided, single submitter. Criteria: Invitae Variant Classification Sherloc (09022015). Collection method: clinical testing. Allele origin: germline.
Comment: ClinVar contains an entry for this variant (Variation ID: 644439). In summary, the currently available evidence indicates that the variant is pathogenic, but additional data are needed to prove that conclusively. Therefore, this variant has been classified as Likely Pathogenic. This variant is located in the A band of TTN (PMID: 25589632). Truncating variants in this region are significantly overrepresented in patients affected with dilated cardiomyopathy (PMID: 25589632). Truncating variants in this region have also been reported in individuals affected with autosomal recessive centronuclear myopathy (PMID: 23975875). Algorithms developed to predict the effect of sequence changes on RNA splicing suggest that this variant may disrupt the consensus splice site. This variant has not been reported in the literature in individuals affected with TTN-related conditions. This variant is not present in population databases (gnomAD no frequency). This sequence change creates a premature translational stop signal (p.Trp23186*) in the TTN gene. While this is not anticipated to result in nonsense mediated decay, it is expected to create a truncated TTN protein.

Literature cited by the submitters: PubMed 25589632 (cited by Labcorp Genetics (formerly Invitae), Labcorp); PubMed 23975875 (cited by Labcorp Genetics (formerly Invitae), Labcorp).